The following is an entry in ClinVar:

NM_000059.4(BRCA2):c.8611G>A (p.Glu2871Lys)

Gene: BRCA2 (BRCA2 DNA repair associated; plus strand). Cytogenetic location: 13q13.1.
Variant type: single nucleotide variant.
Coding change: c.8611G>A on transcript NM_000059.4 (MANE Select); coding-DNA position 8611, G replaced by A.
Protein change: p.Glu2871Lys; replaces glutamic acid 2871 with lysine.
Molecular consequence: missense variant.
Genome position (GRCh38, 1-based): chr13:32,371,079, G>A. VCF-style: chr13-32371079-G-A. GRCh37 (hg19) VCF-style: chr13-32945216-G-A.
Other names: short protein forms E2871K.
Identifiers: ClinVar variation 1038464 (VCV001038464.10), dbSNP rs587782860, ClinGen allele CA387752925.

ClinVar aggregate classification (germline): Uncertain significance. Review status: criteria provided, multiple submitters, no conflicts (2 of 4 stars). 2 submissions from 2 submitters: Uncertain significance (2). Last evaluated 2024-03-17.

Conditions:
Hereditary breast ovarian cancer syndrome. Also called: Hereditary breast and ovarian cancer syndrome; Hereditary breast and ovarian cancer syndrome (HBOC); BRCA1- and BRCA2-Associated Hereditary Breast and Ovarian Cancer; Hereditary breast and ovarian cancer; Hereditary breast and/or ovarian cancer syndrome; Breast and ovarian cancer. Identifiers: Orphanet 145, MedGen C0677776, MeSH D061325, MONDO:0003582. Disease mechanism: loss of function.

Allele frequency attached by ClinVar (database versions not stated): gnomAD exomes below 0.00001.
gnomAD v4.1: 1 of 1,614,044 alleles (0.000062%); highest among the groups gnomAD compares: Non-Finnish European, 0.000085%; no homozygotes.

Submissions (2):

Labcorp Genetics (formerly Invitae), Labcorp
Classification: Uncertain significance for Hereditary breast ovarian cancer syndrome. Last evaluated: 2024-03-17. Review status: criteria provided, single submitter. Criteria: Invitae Variant Classification Sherloc (09022015). Collection method: clinical testing. Allele origin: germline.
Comment: This sequence change replaces glutamic acid, which is acidic and polar, with lysine, which is basic and polar, at codon 2871 of the BRCA2 protein (p.Glu2871Lys). This variant is not present in population databases (gnomAD no frequency). This variant has not been reported in the literature in individuals affected with BRCA2-related conditions. ClinVar contains an entry for this variant (Variation ID: 1038464). Advanced modeling of protein sequence and biophysical properties (such as structural, functional, and spatial information, amino acid conservation, physicochemical variation, residue mobility, and thermodynamic stability) performed at Invitae indicates that this missense variant is not expected to disrupt BRCA2 protein function with a negative predictive value of 95%. In summary, the available evidence is currently insufficient to determine the role of this variant in disease. Therefore, it has been classified as a Variant of Uncertain Significance.

Quest Diagnostics Nichols Institute San Juan Capistrano
Classification: Uncertain significance. Last evaluated: 2021-04-02. Review status: criteria provided, single submitter. Criteria: Quest Diagnostics criteria. Collection method: clinical testing. Allele origin: unknown.